The following is an entry in ClinVar:

ClinVar aggregate classification (germline): Uncertain significance. Review status: criteria provided, multiple submitters, no conflicts (2 of 4 stars). 3 submissions from 3 submitters: Uncertain significance (2). 1 of the submissions does not count toward it. Last evaluated 2025-01-15.

Conditions:
Fraser syndrome 1 (FRASRS1). Also called: CRYPTOPHTHALMOS WITH OTHER MALFORMATIONS. Identifiers: Orphanet 2052, MedGen C4551480, MONDO:0054737, OMIM 219000.

gnomAD v4.1: 67 of 1,613,672 alleles (0.0042%); highest among the groups gnomAD compares: Non-Finnish European, 0.0052%; no homozygotes.

Submissions (4):

Labcorp Genetics (formerly Invitae), Labcorp
Classification: Uncertain significance. Last evaluated: 2025-01-15. Review status: criteria provided, single submitter. Criteria: Invitae Variant Classification Sherloc (09022015). Collection method: clinical testing. Allele origin: germline.
Comment: This sequence change replaces alanine, which is neutral and non-polar, with threonine, which is neutral and polar, at codon 713 of the FRAS1 protein (p.Ala713Thr). This variant also falls at the last nucleotide of exon 18, which is part of the consensus splice site for this exon. This variant is present in population databases (rs369605412, gnomAD 0.008%). This variant has not been reported in the literature in individuals affected with FRAS1-related conditions. ClinVar contains an entry for this variant (Variation ID: 1050651). An algorithm developed to predict the effect of missense changes on protein structure and function (PolyPhen-2) suggests that this variant¬†is likely to be tolerated. Variants that disrupt the consensus splice site are a relatively common cause of aberrant splicing (PMID: 17576681, 9536098). Algorithms developed to predict the effect of sequence changes on RNA splicing suggest that this variant may disrupt the consensus splice site. In summary, the available evidence is currently insufficient to determine the role of this variant in disease. Therefore, it has been classified as a Variant of Uncertain Significance.

Fulgent Genetics
Classification: Uncertain significance for Fraser syndrome 1. Last evaluated: 2022-03-04. Review status: criteria provided, single submitter. Criteria: ACMG Guidelines, 2015. Collection method: clinical testing. Allele origin: unknown.

Department of Pathology and Laboratory Medicine, Sinai Health System
Classification: Uncertain significance. Review status: no assertion criteria provided. Collection method: clinical testing. Allele origin: unknown. Affected: yes. Study: The Canadian Open Genetics Repository (COGR). Not counted in ClinVar's aggregate classification.
Comment: The FRAS1 p.Ala713Thr variant was not identified in the literature nor was it identified in LOVD 3.0 or ClinVar. The variant was identified in dbSNP (ID: rs369605412) and in control databases in 12 of 248918 chromosomes at a frequency of 0.00004821 (Genome Aggregation Database March 6, 2019, v2.1.1). The variant was observed in the following populations: Other in 1 of 6040 chromosomes (freq: 0.000166), European (non-Finnish) in 10 of 112712 chromosomes (freq: 0.000089) and European (Finnish) in 1 of 21534 chromosomes (freq: 0.000046), but was not observed in the African, Latino, Ashkenazi Jewish, East Asian or South Asian populations. The p.Ala713 residue is not conserved in mammals and computational analyses (PolyPhen-2, SIFT, AlignGVGD, BLOSUM, MutationTaster) do not suggest a high likelihood of impact to the protein; however, this information is not predictive enough to rule out pathogenicity. The p.Ala713Thr variant occurs in the last base of the exon. This position has been shown to be part of the splicing consensus sequence and variants involving this position sometimes affect splicing. In addition, 3 of 4 in silico or computational prediction software programs (SpliceSiteFinder, MaxEntScan, NNSPLICE, GeneSplicer) predict a greater than 10% difference in splicing. In summary, based on the above information the clinical significance of this variant cannot be determined with certainty at this time. This variant is classified as a variant of uncertain significance.

Dr. Peter K. Rogan Lab, Western University
No classification provided (evidence only). Condition: Ovarian serous cystadenocarcinoma. Review status: no classification provided. Collection method: in vitro. Allele origin: not applicable. Functional consequence: retained intron. Not counted in ClinVar's aggregate classification.

Literature cited by the submitters: PubMed 17576681 (cited by Labcorp Genetics (formerly Invitae), Labcorp); PubMed 9536098 (cited by Labcorp Genetics (formerly Invitae), Labcorp).

NM_025074.7(FRAS1):c.2137G>A (p.Ala713Thr)

Gene: FRAS1 (Fraser extracellular matrix complex subunit 1; plus strand). Cytogenetic location: 4q21.21.
Variant type: single nucleotide variant.
Coding change: c.2137G>A on transcript NM_025074.7 (MANE Select); coding-DNA position 2137, G replaced by A.
Protein change: p.Ala713Thr; replaces alanine 713 with threonine.
Molecular consequence: missense variant.
Genome position (GRCh38, 1-based): chr4:78,318,986, G>A. VCF-style: chr4-78318986-G-A. GRCh37 (hg19) VCF-style: chr4-79240140-G-A.
Other names: c.2137G>A, p.Ala713Thr (NM_001166133.2); short protein forms A713T.
Identifiers: ClinVar variation 1050651 (VCV001050651.7), dbSNP rs369605412, ClinGen allele CA2976557.